The following is an entry in ClinVar:

NM_052865.4(MGME1):c.818T>A (p.Val273Glu)

Gene: MGME1 (mitochondrial genome maintenance exonuclease 1; plus strand). Cytogenetic location: 20p11.23.
Variant type: single nucleotide variant.
Coding change: c.818T>A on transcript NM_052865.4 (MANE Select); coding-DNA position 818, T replaced by A.
Protein change: p.Val273Glu; replaces valine 273 with glutamic acid.
Molecular consequence: missense variant. On other transcripts: intron variant (1).
Genome position (GRCh38, 1-based): chr20:17,988,252, T>A. VCF-style: chr20-17988252-T-A. GRCh37 (hg19) VCF-style: chr20-17968895-T-A.
Other names: c.863T>A, p.Val288Glu (NM_001310338.2); c.578T>A, p.Val193Glu (NM_001363738.2); c.512-1687T>A (NM_001310339.2); short protein forms V273E, V193E, V288E.
Identifiers: ClinVar variation 1911356 (VCV001911356.3), dbSNP rs772022766, ClinGen allele CA9775043.

ClinVar aggregate classification (germline): Uncertain significance (1 of 4 stars; one submission).

Allele frequency attached by ClinVar (database versions not stated): TOPMed below 0.00001; ExAC 0.00001.
gnomAD v4.1: 1 of 1,614,124 alleles (0.000062%); highest among the groups gnomAD compares: East Asian, 0.0022%; no homozygotes.

Submission:

Labcorp Genetics (formerly Invitae), Labcorp
Classification: Uncertain significance. Last evaluated: 2022-03-19. Review status: criteria provided, single submitter. Criteria: Invitae Variant Classification Sherloc (09022015). Collection method: clinical testing. Allele origin: germline.
Comment: This variant is present in population databases (rs772022766, gnomAD 0.01%). This sequence change replaces valine, which is neutral and non-polar, with glutamic acid, which is acidic and polar, at codon 273 of the MGME1 protein (p.Val273Glu). This variant has not been reported in the literature in individuals affected with MGME1-related conditions. In summary, the available evidence is currently insufficient to determine the role of this variant in disease. Therefore, it has been classified as a Variant of Uncertain Significance. Algorithms developed to predict the effect of missense changes on protein structure and function are either unavailable or do not agree on the potential impact of this missense change (SIFT: "Deleterious"; PolyPhen-2: "Probably Damaging"; Align-GVGD: "Class C15").